The following is an entry in ClinVar:

ClinVar aggregate classification (germline): Uncertain significance (1 of 4 stars; one submission).

Conditions:
Heterotaxy, visceral, 4, autosomal (HTX4). Identifiers: Orphanet 450, MedGen C3151057, MONDO:0013403, OMIM 613751.

Submission:

Labcorp Genetics (formerly Invitae), Labcorp
Classification: Uncertain significance for Heterotaxy, visceral, 4, autosomal. Last evaluated: 2023-08-07. Review status: criteria provided, single submitter. Criteria: Invitae Variant Classification Sherloc (09022015). Collection method: clinical testing. Allele origin: germline.
Comment: This sequence change creates a premature translational stop signal (p.Trp205*) in the ACVR2B gene. It is expected to result in an absent or disrupted protein product. However, the current clinical and genetic evidence is not sufficient to establish whether loss-of-function variants in ACVR2B cause disease. This variant is not present in population databases (gnomAD no frequency). This variant has not been reported in the literature in individuals affected with ACVR2B-related conditions. In summary, the available evidence is currently insufficient to determine the role of this variant in disease. Therefore, it has been classified as a Variant of Uncertain Significance.

NM_001106.4(ACVR2B):c.614G>A (p.Trp205Ter)

Gene: ACVR2B (activin A receptor type 2B; plus strand). Cytogenetic location: 3p22.2.
Variant type: single nucleotide variant.
Coding change: c.614G>A on transcript NM_001106.4 (MANE Select); coding-DNA position 614, G replaced by A.
Protein change: p.Trp205Ter; replaces tryptophan 205 with a stop codon.
Molecular consequence: nonsense.
Genome position (GRCh38, 1-based): chr3:38,478,466, G>A. VCF-style: chr3-38478466-G-A. GRCh37 (hg19) VCF-style: chr3-38519957-G-A.
Other names: short protein forms W205*.
Identifiers: ClinVar variation 2897401 (VCV002897401.3), dbSNP rs2471258289, ClinGen allele CA352130504.